The following is an entry in ClinVar:

NM_001715.3(BLK):c.809C>T (p.Thr270Met)

Genes: BLK (BLK proto-oncogene, Src family tyrosine kinase), BLK-AS1 (BLK antisense RNA 1). Cytogenetic location: 8p23.1.
Variant type: single nucleotide variant.
Coding change: c.809C>T on transcript NM_001715.3 (MANE Select); coding-DNA position 809, C replaced by T.
Protein change: p.Thr270Met; replaces threonine 270 with methionine.
Molecular consequence: missense variant.
Genome position (GRCh38, 1-based): chr8:11,556,694, C>T. VCF-style: chr8-11556694-C-T. GRCh37 (hg19) VCF-style: chr8-11414203-C-T.
Other names: c.596C>T, p.Thr199Met (NM_001330465.2); c.809C>T (NM_001715.2); short protein forms T270M, T199M.
Identifiers: ClinVar variation 1503499 (VCV001503499.10), dbSNP rs368427116, ClinGen allele CA4630116.

ClinVar aggregate classification (germline): Uncertain significance. Review status: criteria provided, multiple submitters, no conflicts (2 of 4 stars). 4 submissions from 4 submitters: Uncertain significance (4). Last evaluated 2025-09-15.

Conditions:
Maturity-onset diabetes of the young type 11. Identifiers: Orphanet 552, MedGen C3150618, MONDO:0013242, OMIM 613375.

Allele frequency attached by ClinVar (database versions not stated): ExAC 0.00007; ESP Exome Variant Server 0.00008; gnomAD exomes 0.00010 and 0.00017; TOPMed 0.00010; gnomAD 0.00011.

Submissions (4):

Labcorp Genetics (formerly Invitae), Labcorp
Classification: Uncertain significance. Last evaluated: 2025-09-15. Review status: criteria provided, single submitter. Criteria: Invitae Variant Classification Sherloc (09022015). Collection method: clinical testing. Allele origin: germline.
Comment: This sequence change replaces threonine, which is neutral and polar, with methionine, which is neutral and non-polar, at codon 270 of the BLK protein (p.Thr270Met). This variant is present in population databases (rs368427116, gnomAD 0.02%). This missense change has been observed in individual(s) with maturity onset diabetes of the young (PMID: 27634015). ClinVar contains an entry for this variant (Variation ID: 1503499). An algorithm developed to predict the effect of missense changes on protein structure and function (PolyPhen-2) suggests that this variant is likely to be disruptive. In summary, the available evidence is currently insufficient to determine the role of this variant in disease. Therefore, it has been classified as a Variant of Uncertain Significance.

Revvity Omics, Revvity
Classification: Uncertain significance for Maturity-onset diabetes of the young type 11. Last evaluated: 2023-09-01. Review status: criteria provided, single submitter. Criteria: ACMG Guidelines, 2015. Collection method: clinical testing. Allele origin: germline.

GeneDx
Classification: Uncertain significance. Last evaluated: 2023-08-07. Review status: criteria provided, single submitter. Criteria: GeneDx Variant Classification Process June 2021. Collection method: clinical testing. Allele origin: germline. Affected: yes.
Comment: Reported in individuals with and without diabetes in published literature (Brahm et al., 2016; Elashi et al., 2022); however, proband-specific clinical information not provided; In silico analysis supports that this missense variant has a deleterious effect on protein structure/function; This variant is associated with the following publications: (PMID: Zhou_2021_abstract, 32041611, 27634015, 36613572)

Fulgent Genetics
Classification: Uncertain significance for Maturity-onset diabetes of the young type 11. Last evaluated: 2022-04-27. Review status: criteria provided, single submitter. Criteria: ACMG Guidelines, 2015. Collection method: clinical testing. Allele origin: unknown.

Literature cited by the submitters: PubMed 27634015 (cited by Labcorp Genetics (formerly Invitae), Labcorp).